The following is an entry in ClinVar:

ClinVar aggregate classification (germline): Likely benign (1 of 4 stars; one submission).

gnomAD v4.1: 315 of 1,609,866 alleles (0.02%); highest among the groups gnomAD compares: African/African-American, 0.023%; no homozygotes.

Submission:

CeGaT Center for Human Genetics Tuebingen
Classification: Likely benign. Last evaluated: 2025-03-01. Review status: criteria provided, single submitter. Criteria: CeGaT Center For Human Genetics Tuebingen Variant Classification Criteria Version 2. Collection method: clinical testing. Allele origin: germline. Affected: yes. Observed: 1 variant allele.
Comment: RPA1: BP4, BP7

NM_002945.5(RPA1):c.267C>T (p.Asp89=)

Gene: RPA1 (replication protein A1; plus strand). Cytogenetic location: 17p13.3.
Variant type: single nucleotide variant.
Coding change: c.267C>T on transcript NM_002945.5 (MANE Select); coding-DNA position 267, C replaced by T.
Protein change: p.Asp89=; no amino-acid change (aspartic acid 89 retained).
Molecular consequence: synonymous variant.
Genome position (GRCh38, 1-based): chr17:1,844,681, C>T. VCF-style: chr17-1844681-C-T. GRCh37 (hg19) VCF-style: chr17-1747975-C-T.
Other names: c.228C>T, p.Asp76= (NM_001355120.2); c.267C>T, p.Asp89= (NM_001355121.2).
Identifiers: ClinVar variation 3778209 (VCV003778209.7).
Genomic context (GRCh38, chr17:1,844,681, plus strand): 5'-ACAATTGTCCAGCAACTGTGTATGCCAGATTCACAGATTTATTGTGAACACTCTGAAAGA[C>T]GGAAGGTATGTGCTGTGTTTTTTTCTGTCTTATTGTATCGTAGAATGGGAACAAATTTAG-3'
Protein context (NP_002936.1, residues 79-99): IHRFIVNTLK[Asp89=]GRRVVILMEL